The following is an entry in ClinVar:

ClinVar aggregate classification (germline): Likely pathogenic (1 of 4 stars; one submission).

Conditions:
Cardiomyopathy, familial restrictive, 6. Identifiers: MedGen C5543638, MONDO:0030330, OMIM 619433.

gnomAD v4.1: 6 of 1,614,040 alleles (0.00037%); highest among the groups gnomAD compares: South Asian, 0.0044%; no homozygotes.

Submission:

Neuberg Centre For Genomic Medicine, NCGM
Classification: Likely pathogenic for Cardiomyopathy, familial restrictive, 6. Last evaluated: 2023-05-20. Review status: criteria provided, single submitter. Criteria: ACMG Guidelines, 2015. Collection method: clinical testing. Allele origin: germline. Inheritance: Autosomal recessive inheritance. Affected: yes.
Comment: The stop gained c.1423C>T (p.Arg475Ter) variant in the KIF20A gene has not been reported previously as a pathogenic variant nor as a benign variant, to our knowledge. This variant is reported with the allele frequency (0.0003%) in the gnomAD Exomes. Computational evidence (MutationTaster - Disease causing) predicts damaging effect on protein structure and function for this variant. The nucleotide change c.1423C>T in KIF20A is predicted as conserved by GERP++ and PhyloP across 100 vertebrates. This variant is predicted to cause loss of normal protein function through protein truncation. Loss of function variants have been previously reported to be disease causing. For these reasons, this variant has been classified as Likely Pathogenic.

NM_005733.3(KIF20A):c.1423C>T (p.Arg475Ter)

Gene: KIF20A (kinesin family member 20A; plus strand). Cytogenetic location: 5q31.2.
Variant type: single nucleotide variant.
Coding change: c.1423C>T on transcript NM_005733.3 (MANE Select); coding-DNA position 1423, C replaced by T.
Protein change: p.Arg475Ter; replaces arginine 475 with a stop codon.
Molecular consequence: nonsense.
Genome position (GRCh38, 1-based): chr5:138,184,309, C>T. VCF-style: chr5-138184309-C-T. GRCh37 (hg19) VCF-style: chr5-137519998-C-T.
Other names: short protein forms R475*.
Identifiers: ClinVar variation 3367014 (VCV003367014.1).